The following is an entry in ClinVar:

ClinVar aggregate classification (germline): Uncertain significance. Review status: criteria provided, multiple submitters, no conflicts (2 of 4 stars). 4 submissions from 4 submitters: Uncertain significance (3). 1 of the submissions does not count toward it. Last evaluated 2024-02-24.

Conditions:
Inborn genetic diseases. Identifiers: MedGen C0950123, MeSH D030342.
Schimke immuno-osseous dysplasia (SIOD). Also called: Schimke Immunoosseous Dysplasia. Identifiers: Orphanet 1830, MedGen C0877024, MONDO:0009458, OMIM 242900.

Allele frequency attached by ClinVar (database versions not stated): gnomAD 0.00001; ExAC 0.00002; gnomAD exomes 0.00002; TOPMed 0.00002.
gnomAD v4.1: 35 of 1,614,136 alleles (0.0022%); highest among the groups gnomAD compares: Admixed American, 0.0083%; no homozygotes.

Submissions (4):

Labcorp Genetics (formerly Invitae), Labcorp
Classification: Uncertain significance for Schimke immuno-osseous dysplasia. Last evaluated: 2024-02-24. Review status: criteria provided, single submitter. Criteria: Invitae Variant Classification Sherloc (09022015). Collection method: clinical testing. Allele origin: germline.
Comment: This sequence change replaces glutamine, which is neutral and polar, with histidine, which is basic and polar, at codon 183 of the SMARCAL1 protein (p.Gln183His). This variant is present in population databases (rs774029345, gnomAD 0.01%). This variant has not been reported in the literature in individuals affected with SMARCAL1-related conditions. ClinVar contains an entry for this variant (Variation ID: 958538). Advanced modeling of protein sequence and biophysical properties (such as structural, functional, and spatial information, amino acid conservation, physicochemical variation, residue mobility, and thermodynamic stability) performed at Invitae indicates that this missense variant is not expected to disrupt SMARCAL1 protein function with a negative predictive value of 80%. In summary, the available evidence is currently insufficient to determine the role of this variant in disease. Therefore, it has been classified as a Variant of Uncertain Significance.

Ambry Genetics
Classification: Uncertain significance for Inborn genetic diseases. Last evaluated: 2023-05-23. Review status: criteria provided, single submitter. Criteria: Ambry Variant Classification Scheme 2023. Collection method: clinical testing. Allele origin: germline.

Fulgent Genetics
Classification: Uncertain significance for Schimke immuno-osseous dysplasia. Last evaluated: 2021-12-11. Review status: criteria provided, single submitter. Criteria: ACMG Guidelines, 2015. Collection method: clinical testing. Allele origin: unknown.

Natera, Inc.
Classification: Uncertain significance for Schimke immuno-osseous dysplasia. Last evaluated: 2020-03-13. Review status: no assertion criteria provided. Collection method: clinical testing. Allele origin: germline. Not counted in ClinVar's aggregate classification.

NM_014140.4(SMARCAL1):c.549G>T (p.Gln183His)

Gene: SMARCAL1 (SNF2 related chromatin remodeling annealing helicase 1; plus strand). Cytogenetic location: 2q35.
Variant type: single nucleotide variant.
Coding change: c.549G>T on transcript NM_014140.4 (MANE Select); coding-DNA position 549, G replaced by T.
Protein change: p.Gln183His; replaces glutamine 183 with histidine.
Molecular consequence: missense variant.
Genome position (GRCh38, 1-based): chr2:216,415,253, G>T. VCF-style: chr2-216415253-G-T. GRCh37 (hg19) VCF-style: chr2-217279976-G-T.
Other names: c.549G>T, p.Gln183His (NM_001127207.2); short protein forms Q183H.
Identifiers: ClinVar variation 958538 (VCV000958538.9), dbSNP rs774029345, ClinGen allele CA2097607.